The following is an entry in ClinVar:

ClinVar aggregate classification (germline): Benign/Likely benign. Review status: criteria provided, multiple submitters, no conflicts (2 of 4 stars). 3 submissions from 3 submitters: Benign (1); Likely benign (2). Last evaluated 2026-04-21.

Conditions:
DICER1-related tumor predisposition. Also called: DICER1-related pleuropulmonary blastoma cancer predisposition syndrome; DICER1 syndrome. Identifiers: Orphanet 284343, MedGen C3839822, MONDO:0100216.
Hereditary cancer-predisposing syndrome. Also called: Neoplastic Syndromes, Hereditary; Tumor predisposition; Hereditary Cancer Syndrome; Hereditary neoplastic syndrome. Identifiers: Orphanet 140162, MedGen C0027672, MeSH D009386, MONDO:0015356.

Submissions (3):

Myriad Genetics, Inc.
Classification: Benign for DICER1-related tumor predisposition. Last evaluated: 2026-04-21. Review status: criteria provided, single submitter. Criteria: Myriad Autosomal Dominant, Autosomal Recessive and X-Linked Classification Criteria (2023). Collection method: clinical testing. Allele origin: unknown.
Comment: This variant is considered benign. This variant is a silent/synonymous amino acid change and it is not expected to impact splicing.

Ambry Genetics
Classification: Likely benign for Hereditary cancer-predisposing syndrome. Last evaluated: 2026-02-24. Review status: criteria provided, single submitter. Criteria: Ambry Variant Classification Scheme 2023. Collection method: clinical testing. Allele origin: germline.

Labcorp Genetics (formerly Invitae), Labcorp
Classification: Likely benign for DICER1-related tumor predisposition. Last evaluated: 2026-01-01. Review status: criteria provided, single submitter. Criteria: Invitae Variant Classification Sherloc (09022015). Collection method: clinical testing. Allele origin: germline.

NM_177438.3(DICER1):c.5466T>C (p.Asp1822=)

Gene: DICER1 (dicer 1, ribonuclease III; minus strand). Cytogenetic location: 14q32.13.
Variant type: single nucleotide variant.
Coding change: c.5466T>C on transcript NM_177438.3 (MANE Select); coding-DNA position 5466, T replaced by C.
Protein change: p.Asp1822=; no amino-acid change (aspartic acid 1822 retained).
Molecular consequence: synonymous variant. On other transcripts: intron variant (1).
Genome position (GRCh38, 1-based): chr14:95,091,264, A>G on the plus strand (T>C on the coding strand, the complement: DICER1 is on the minus strand). VCF-style: chr14-95091264-A-G. GRCh37 (hg19) VCF-style: chr14-95557601-A-G.
Other names: c.5466T>C (NM_177438.2); c.5466T>C, p.Asp1822= (NM_001271282.3, NM_001291628.2, NM_030621.4); c.5365-155T>C (NM_001195573.1).
Identifiers: ClinVar variation 1479514 (VCV001479514.11), dbSNP rs2139777352, ClinGen allele CA487843705.